The following is an entry in ClinVar:

ClinVar aggregate classification (germline): Uncertain significance (1 of 4 stars; one submission).

Submission:

GeneDx
Classification: Uncertain significance. Last evaluated: 2019-07-26. Review status: criteria provided, single submitter. Criteria: GeneDx Variant Classification Process June 2021. Collection method: clinical testing. Allele origin: germline. Affected: yes.
Comment: In-frame event resulting in loss of 2 residues and missense substitution of another amino acid in a non-repeat region; Not observed in large population cohorts (Lek et al., 2016); In silico analysis, which includes protein predictors and evolutionary conservation, supports a deleterious effect; Has not been previously published as pathogenic or benign to our knowledge

NM_004700.4(KCNQ4):c.913_919delinsA (p.Leu305_Gly307delinsSer)

Gene: KCNQ4 (potassium voltage-gated channel subfamily Q member 4; plus strand). Cytogenetic location: 1p34.2.
Variant type: Indel.
Coding change: c.913_919delinsA on transcript NM_004700.4 (MANE Select); coding-DNA positions 913 to 919, TTACTGG replaced by A.
Protein change: p.Leu305_Gly307delinsSer.
Molecular consequence: inframe indel.
Genome position (GRCh38, 1-based): chr1:40,819,953-40,819,959, TTACTGG replaced by A. VCF-style: chr1-40819953-TTACTGG-A. GRCh37 (hg19) VCF-style: chr1-41285625-TTACTGG-A.
Other names: c.913_919delinsA, p.Leu305_Gly307delinsSer (NM_172163.3).
Identifiers: ClinVar variation 1307379 (VCV001307379.2), dbSNP rs2148320094, ClinGen allele CA2573051564.
Genomic context (GRCh38, chr1:40,819,953, plus strand): 5'-GGCTATGGTGACAAGACACCGCACACATGGCTGGGCAGGGTCCTGGCTGCTGGCTTCGCC[TTACTGG>A]GCATCTCTTTCTTTGCCCTGCCTGCCGTGAGTTGCCTCCTGCTCAGTTGGTGGGGGAGGC-3'